The following is an entry in ClinVar:

ClinVar aggregate classification (germline): Uncertain significance (1 of 4 stars; one submission).

Conditions:
Bardet-Biedl syndrome (BBS). Identifiers: Orphanet 110, MedGen C0752166, MONDO:0015229.

gnomAD v4.1: 2 of 1,612,408 alleles (0.00012%); highest among the groups gnomAD compares: Non-Finnish European, 0.00017%; no homozygotes.

Submission:

Labcorp Genetics (formerly Invitae), Labcorp
Classification: Uncertain significance for Bardet-Biedl syndrome. Last evaluated: 2022-06-27. Review status: criteria provided, single submitter. Criteria: Invitae Variant Classification Sherloc (09022015). Collection method: clinical testing. Allele origin: germline.
Comment: This sequence change replaces leucine, which is neutral and non-polar, with methionine, which is neutral and non-polar, at codon 616 of the WDPCP protein (p.Leu616Met). In summary, the available evidence is currently insufficient to determine the role of this variant in disease. Therefore, it has been classified as a Variant of Uncertain Significance. Algorithms developed to predict the effect of missense changes on protein structure and function are either unavailable or do not agree on the potential impact of this missense change (SIFT: "Deleterious"; PolyPhen-2: "Probably Damaging"; Align-GVGD: "Class C0"). This variant has not been reported in the literature in individuals affected with WDPCP-related conditions. This variant is present in population databases (no rsID available, gnomAD 0.0009%).

NM_015910.7(WDPCP):c.1846T>A (p.Leu616Met)

Gene: WDPCP (WD repeat containing planar cell polarity effector; minus strand). Cytogenetic location: 2p15.
Variant type: single nucleotide variant.
Coding change: c.1846T>A on transcript NM_015910.7 (MANE Select); coding-DNA position 1846, T replaced by A.
Protein change: p.Leu616Met; replaces leucine 616 with methionine.
Molecular consequence: missense variant. On other transcripts: non-coding transcript variant (2).
Genome position (GRCh38, 1-based): chr2:63,259,376, A>T on the plus strand (T>A on the coding strand, the complement: WDPCP is on the minus strand). VCF-style: chr2-63259376-A-T. GRCh37 (hg19) VCF-style: chr2-63486511-A-T.
Other names: c.1369T>A, p.Leu457Met (NM_001042692.3); c.1774T>A, p.Leu592Met (NM_001354044.2); short protein forms L592M, L616M, L457M.
Identifiers: ClinVar variation 1489671 (VCV001489671.8), dbSNP rs779790542, ClinGen allele CA347062426.
Genomic context (GRCh38, chr2:63,259,376, plus strand): 5'-AGGTTATTGATTCTGCATCAATGTCACTAGCTCTTTTTCTTGCCACTTCAGCTAGTGCCA[A>T]TTCACCTTTATCTAGTGCAAGGTAATGAATATCCTGAGGAAATAAAGCAAAATAAAAGAT-3'
Protein context (NP_056994.3, residues 606-626): IHYLALDKGE[Leu616Met]ALAEVARKRA